The following is an entry in ClinVar:

ClinVar aggregate classification (germline): Likely benign (1 of 4 stars; one submission).

Conditions:
ATP11A-related disorder. Also called: ATP11A-related condition.

gnomAD v4.1: 817 of 1,614,186 alleles (0.051%); highest among the groups gnomAD compares: Non-Finnish European, 0.062%; no homozygotes.

Submission:

PreventionGenetics, part of Exact Sciences
Classification: Likely benign for ATP11A-related condition. Last evaluated: 2024-11-27. Review status: criteria provided, single submitter. Criteria: ACMG Guidelines, 2015. Collection method: clinical testing. Allele origin: germline.
Comment: This variant is classified as likely benign based on ACMG/AMP sequence variant interpretation guidelines (Richards et al. 2015 PMID: 25741868, with internal and published modifications).

NM_015205.3(ATP11A):c.1349C>T (p.Ser450Leu)

Gene: ATP11A (ATPase phospholipid transporting 11A; plus strand). Cytogenetic location: 13q34.
Variant type: single nucleotide variant.
Coding change: c.1349C>T on transcript NM_015205.3 (MANE Select); coding-DNA position 1349, C replaced by T.
Protein change: p.Ser450Leu; replaces serine 450 with leucine.
Molecular consequence: missense variant.
Genome position (GRCh38, 1-based): chr13:112,831,502, C>T. VCF-style: chr13-112831502-C-T. GRCh37 (hg19) VCF-style: chr13-113485816-C-T.
Other names: c.1349C>T, p.Ser450Leu (NM_001405661.1, NM_001405662.1, NM_001405663.1 and 1 more transcripts); short protein forms S450L.
Identifiers: ClinVar variation 4982296 (VCV004982296.1).
Genomic context (GRCh38, chr13:112,831,502, plus strand): 5'-GCATCGAAGGCCATGTCTACGTGCCCCACGTCATCTGCAACGGGCAGGTCCTCCCAGAGT[C>T]GTCAGGAATCGACATGATTGACTCGTCCCCCAGCGTCAACGGGAGGGTAGGTGGCAGCCC-3'
Protein context (NP_056020.2, residues 440-460): VICNGQVLPE[Ser450Leu]SGIDMIDSSP